The following is an entry in ClinVar:

NM_000057.4(BLM):c.1341G>T (p.Gly447=)

Gene: BLM (BLM RecQ like helicase; plus strand). Cytogenetic location: 15q26.1.
Variant type: single nucleotide variant.
Coding change: c.1341G>T on transcript NM_000057.4 (MANE Select); coding-DNA position 1341, G replaced by T.
Protein change: p.Gly447=; no amino-acid change (glycine 447 retained).
Molecular consequence: synonymous variant.
Genome position (GRCh38, 1-based): chr15:90,760,714, G>T. VCF-style: chr15-90760714-G-T. GRCh37 (hg19) VCF-style: chr15-91303944-G-T.
Other names: c.1341G>T, p.Gly447= (NM_001287246.2, NM_001287247.2); c.216G>T, p.Gly72= (NM_001287248.2).
Identifiers: ClinVar variation 3013913 (VCV003013913.3), dbSNP rs1199140239, ClinGen allele CA492301254.
Genomic context (GRCh38, chr15:90,760,714, plus strand): 5'-GTGGAGATACAGGCCTGATTCACTTGATGGCCCTATGGAGGGTGATTCCTGCCCTACAGG[G>T]AATTCTATGAAGGAGTTAAATTTTTCACACCTTCCCTCAAATTCTGTTTCTCCTGGGGAC-3'
Protein context (NP_000048.1, residues 437-457): GPMEGDSCPT[Gly447=]NSMKELNFSH

ClinVar aggregate classification (germline): Uncertain significance (1 of 4 stars; one submission).

Conditions:
Bloom syndrome (BLM). Also called: Bloom-Torre-Machacek syndrome. Identifiers: Orphanet 125, MedGen C0005859, MONDO:0008876, OMIM 210900.

Submission:

Labcorp Genetics (formerly Invitae), Labcorp
Classification: Uncertain significance for Bloom syndrome. Last evaluated: 2023-09-06. Review status: criteria provided, single submitter. Criteria: Invitae Variant Classification Sherloc (09022015). Collection method: clinical testing. Allele origin: germline.
Comment: In summary, the available evidence is currently insufficient to determine the role of this variant in disease. Therefore, it has been classified as a Variant of Uncertain Significance. This sequence change affects codon 447 of the BLM mRNA. It is a 'silent' change, meaning that it does not change the encoded amino acid sequence of the BLM protein. This variant is not present in population databases (gnomAD no frequency). This variant has not been reported in the literature in individuals affected with BLM-related conditions. Algorithms developed to predict the effect of sequence changes on RNA splicing suggest that this variant may create or strengthen a splice site.